The following is an entry in ClinVar:

NC_000011.10:g.8038925A>G

Gene: TUB (TUB bipartite transcription factor; plus strand). Cytogenetic location: 11p15.4.
Variant type: single nucleotide variant.
Molecular consequence: missense variant (on NM_003320.5). On other transcripts: intron variant (4).
Genome position: GRCh38 VCF-style: chr11-8038925-A-G. GRCh37 (hg19) VCF-style: chr11-8060472-A-G.
Other names: c.52A>G, p.Thr18Ala (NM_003320.5); c.56+19567A>G (NM_001440538.1, NM_001440539.1, NM_001440540.1 and 1 more transcripts); short protein forms T18A.
Identifiers: ClinVar variation 933290 (VCV000933290.10), dbSNP rs1942692795, ClinGen allele CA379565777.

ClinVar aggregate classification (germline): Uncertain significance (1 of 4 stars; one submission).

Submission:

Labcorp Genetics (formerly Invitae), Labcorp
Classification: Uncertain significance. Last evaluated: 2022-06-04. Review status: criteria provided, single submitter. Criteria: Invitae Variant Classification Sherloc (09022015). Collection method: clinical testing. Allele origin: germline.
Comment: This variant has not been reported in the literature in individuals affected with TUB-related conditions. In summary, the available evidence is currently insufficient to determine the role of this variant in disease. Therefore, it has been classified as a Variant of Uncertain Significance. Algorithms developed to predict the effect of missense changes on protein structure and function (SIFT, PolyPhen-2, Align-GVGD) all suggest that this variant is likely to be tolerated. ClinVar contains an entry for this variant (Variation ID: 933290). This variant is not present in population databases (gnomAD no frequency). This sequence change replaces threonine, which is neutral and polar, with alanine, which is neutral and non-polar, at codon 18 of the TUB protein (p.Thr18Ala).